The following is an entry in ClinVar:

NM_000051.4(ATM):c.5971G>A (p.Glu1991Lys)

Genes: ATM (ATM serine/threonine kinase; plus strand), C11orf65 (chromosome 11 open reading frame 65; minus strand). Cytogenetic location: 11q22.3.
Variant type: single nucleotide variant.
Coding change: c.5971G>A on transcript NM_000051.4 (MANE Select); coding-DNA position 5971, G replaced by A.
Protein change: p.Glu1991Lys; replaces glutamic acid 1991 with lysine.
Molecular consequence: missense variant. On other transcripts: intron variant (2).
Genome position (GRCh38, 1-based): chr11:108,312,463, G>A. VCF-style: chr11-108312463-G-A. GRCh37 (hg19) VCF-style: chr11-108183190-G-A.
Other names: p.Glu1991Lys; c.5971G>A, p.Glu1991Lys (NM_001351834.2); c.641-3392C>T (NM_001330368.2); c.*39-3392C>T (NM_001351110.2); c.5971G>A (NM_000051.2); short protein forms E1991K.
Identifiers: ClinVar variation 187013 (VCV000187013.33), dbSNP rs786203404, ClinGen allele CA196497.

ClinVar aggregate classification (germline): Uncertain significance. Review status: criteria provided, multiple submitters, no conflicts (2 of 4 stars). 9 submissions from 9 submitters: Uncertain significance (8). 1 of the submissions does not count toward it. Last evaluated 2026-05-26.

Conditions:
ATM-related disorder. Also called: ATM-related disorders; ATM-related condition.
Breast and/or ovarian cancer. Identifiers: MedGen CN221562.
Hereditary cancer-predisposing syndrome. Also called: Hereditary Cancer Syndrome; Tumor predisposition; Neoplastic Syndromes, Hereditary; Hereditary neoplastic syndrome. Identifiers: Orphanet 140162, MedGen C0027672, MeSH D009386, MONDO:0015356.
Familial cancer of breast. Also called: hereditary breast carcinoma; BREAST CANCER, FAMILIAL; Hereditary breast cancer. Identifiers: Orphanet 227535, MedGen C0346153, MONDO:0016419, OMIM 114480. Disease mechanism: loss of function.
Ataxia-telangiectasia syndrome (AT). Also called: ATAXIA-TELANGIECTASIA, COMPLEMENTATION GROUP A; ATAXIA-TELANGIECTASIA, FRESNO VARIANT; Ataxia-telangiectasia; Ataxia-telangiectasia, complementation group E; Cerebello-oculocutaneous telangiectasia; Immunodeficiency with ataxia telangiectasia. Identifiers: Orphanet 100, MedGen C0004135, MONDO:0008840, OMIM 208900.

Allele frequency attached by ClinVar (database versions not stated): gnomAD 0.00001; TOPMed 0.00001; gnomAD exomes below 0.00001.
gnomAD v4.1: 9 of 1,594,230 alleles (0.00056%); highest among the groups gnomAD compares: Non-Finnish European, 0.00077%; no homozygotes.

Submissions (9):

PreventionGenetics, part of Exact Sciences
Classification: Uncertain significance for ATM-related condition. Last evaluated: 2026-05-26. Review status: criteria provided, single submitter. Criteria: ACMG Guidelines, 2015. Collection method: clinical testing. Allele origin: germline.
Comment: The ATM c.5971G>A variant is predicted to result in the amino acid substitution p.Glu1991Lys. This variant has been reported as a germline variant with uncertain significance in an individual with a personal history of colorectal cancer and a family history of cancer (Yurgelun et al. 2017. PubMed ID: 28135145) and in an individual with chronic lymphocytic leukemia (Table S6, Lampson et al. 2022. PubMed ID: 36315919). This variant is reported in 0.00088% of alleles in individuals of European (Non-Finnish) descent in gnomAD and is reported as uncertain in ClinVar (Variation ID: 187013). At this time, the clinical significance of this variant is uncertain due to the absence of conclusive functional and genetic evidence.

Labcorp Genetics (formerly Invitae), Labcorp
Classification: Uncertain significance for Ataxia-telangiectasia syndrome. Last evaluated: 2025-10-07. Review status: criteria provided, single submitter. Criteria: Invitae Variant Classification Sherloc (09022015). Collection method: clinical testing. Allele origin: germline.
Comment: This sequence change replaces glutamic acid, which is acidic and polar, with lysine, which is basic and polar, at codon 1991 of the ATM protein (p.Glu1991Lys). This variant is present in population databases (rs786203404, gnomAD 0.0009%). This missense change has been observed in individual(s) with colorectal cancer (PMID: 28135145). ClinVar contains an entry for this variant (Variation ID: 187013). Invitae Evidence Modeling of protein sequence and biophysical properties (such as structural, functional, and spatial information, amino acid conservation, physicochemical variation, residue mobility, and thermodynamic stability) indicates that this missense variant is not expected to disrupt ATM protein function with a negative predictive value of 95%. RNA analysis performed to evaluate the impact of this missense change on mRNA splicing indicates it does not significantly alter splicing (internal data). In summary, the available evidence is currently insufficient to determine the role of this variant in disease. Therefore, it has been classified as a Variant of Uncertain Significance.

Ambry Genetics
Classification: Uncertain significance for Hereditary cancer-predisposing syndrome. Last evaluated: 2025-09-05. Review status: criteria provided, single submitter. Criteria: Ambry Variant Classification Scheme 2023. Collection method: clinical testing. Allele origin: germline.
Comment: The p.E1991K variant (also known as c.5971G>A), located in coding exon 39 of the ATM gene, results from a G to A substitution at nucleotide position 5971. The glutamic acid at codon 1991 is replaced by lysine, an amino acid with similar properties. This amino acid position is highly conserved in available vertebrate species. In addition, this alteration is predicted to be tolerated by in silico analysis. Since supporting evidence is limited at this time, the clinical significance of this alteration remains unclear.

Mayo Clinic Laboratories, Mayo Clinic
Classification: Uncertain significance. Last evaluated: 2025-05-14. Review status: criteria provided, single submitter. Criteria: ACMG Guidelines, 2015. Collection method: clinical testing. Allele origin: germline. Observed: 1 variant allele.
Comment: BP4, PM2_supporting

Baylor Genetics
Classification: Uncertain significance for Familial cancer of breast. Last evaluated: 2023-05-18. Review status: criteria provided, single submitter. Criteria: ACMG Guidelines, 2015. Collection method: clinical testing. Allele origin: unknown.

CHEO Genetics Diagnostic Laboratory, Children's Hospital of Eastern Ontario
Classification: Uncertain significance for Breast and/or ovarian cancer. Last evaluated: 2023-04-25. Review status: criteria provided, single submitter. Criteria: ACMG Guidelines, 2015. Collection method: clinical testing. Allele origin: germline.

Color Diagnostics, LLC DBA Color Health
Classification: Uncertain significance for Hereditary cancer-predisposing syndrome. Last evaluated: 2022-12-27. Review status: criteria provided, single submitter. Criteria: ACMG Guidelines, 2015. Collection method: clinical testing. Allele origin: germline.
Comment: This missense variant replaces glutamic acid with lysine at codon 1991 of the ATM protein. Computational prediction suggests that this variant may not impact protein structure and function (internally defined REVEL score threshold <= 0.5, PMID: 27666373). To our knowledge, functional studies have not been reported for this variant. This variant has been reported in an individual affected with colorectal cancer (PMID: 28135145). This variant has also been identified in 1/250966 chromosomes in the general population by the Genome Aggregation Database (gnomAD). The available evidence is insufficient to determine the role of this variant in disease conclusively. Therefore, this variant is classified as a Variant of Uncertain Significance.

GeneDx
Classification: Uncertain significance. Last evaluated: 2019-09-23. Review status: criteria provided, single submitter. Criteria: GeneDx Variant Classification Process June 2021. Collection method: clinical testing. Allele origin: germline. Affected: yes.
Comment: Not observed at a significant frequency in large population cohorts (Lek et al., 2016); In silico analysis, which includes protein predictors and evolutionary conservation, supports that this variant does not alter protein structure/function; This variant is associated with the following publications: (PMID: 28135145)

Natera, Inc.
Classification: Uncertain significance for Ataxia-telangiectasia. Last evaluated: 2021-06-08. Review status: no assertion criteria provided. Collection method: clinical testing. Allele origin: germline. Not counted in ClinVar's aggregate classification.

Literature cited by the submitters: PubMed 28135145 (cited by 3 submitters).